The following is an entry in ClinVar:

ClinVar aggregate classification (germline): Benign/Likely benign. Review status: criteria provided, multiple submitters, no conflicts (2 of 4 stars). 7 submissions from 7 submitters: Benign (4); Likely benign (1). 2 of the submissions do not count toward it. Last evaluated 2026-09-01.

Conditions:
Combined immunodeficiency due to STK4 deficiency (IMD110). Also called: T-cell immunodeficiency, recurrent infections, and autoimmunity with or without cardiac malformations; STK4 DEFICIENCY; MST1 DEFICIENCY. Identifiers: Orphanet 314689, MedGen C3553943, MONDO:0013934, OMIM 614868.

Allele frequency attached by ClinVar (database versions not stated): 1000 Genomes Project 30x 0.00422; 1000 Genomes Project 0.00459; TOPMed 0.00680; gnomAD 0.00700 and 0.00713; gnomAD exomes 0.00746 and 0.01159; ExAC 0.00768; ESP Exome Variant Server 0.00961.

Submissions (7):

CeGaT Center for Human Genetics Tuebingen
Classification: Benign. Last evaluated: 2026-09-01. Review status: criteria provided, single submitter. Criteria: CeGaT Center For Human Genetics Tuebingen Variant Classification Criteria Version 2. Collection method: clinical testing. Allele origin: germline. Affected: yes. Observed: 11 variant alleles.
Comment: STK4: BP4, BS1, BS2

Women's Health and Genetics/Laboratory Corporation of America, LabCorp
Classification: Likely benign. Last evaluated: 2026-04-20. Review status: criteria provided, single submitter. Criteria: LabCorp Variant Classification Summary - May 2015. Collection method: clinical testing. Allele origin: germline.

Labcorp Genetics (formerly Invitae), Labcorp
Classification: Benign for Combined immunodeficiency due to STK4 deficiency. Last evaluated: 2026-02-02. Review status: criteria provided, single submitter. Criteria: Invitae Variant Classification Sherloc (09022015). Collection method: clinical testing. Allele origin: germline.

Mayo Clinic Laboratories, Mayo Clinic
Classification: Benign. Last evaluated: 2020-05-27. Review status: criteria provided, single submitter. Criteria: ACMG Guidelines, 2015. Collection method: clinical testing. Allele origin: germline. Observed: 6 variant alleles.

Breakthrough Genomics
Classification: Benign. Review status: criteria provided, single submitter. Criteria: ACMG Guidelines, 2015. Collection method: not provided. Allele origin: germline. Inheritance: Unknown mechanism. Affected: yes.

Genome Diagnostics Laboratory, University Medical Center Utrecht
Classification: Benign. Review status: no assertion criteria provided. Collection method: clinical testing. Allele origin: germline. Affected: yes. Study: VKGL Data-share Consensus. Not counted in ClinVar's aggregate classification.

Laboratory of Diagnostic Genome Analysis, Leiden University Medical Center (LUMC)
Classification: Benign. Review status: no assertion criteria provided. Collection method: clinical testing. Allele origin: germline. Affected: yes. Study: VKGL Data-share Consensus. Not counted in ClinVar's aggregate classification.

NM_006282.5(STK4):c.1247C>T (p.Pro416Leu)

Gene: STK4 (serine/threonine kinase 4; plus strand). Cytogenetic location: 20q13.12.
Variant type: single nucleotide variant.
Coding change: c.1247C>T on transcript NM_006282.5 (MANE Select); coding-DNA position 1247, C replaced by T.
Protein change: p.Pro416Leu; replaces proline 416 with leucine.
Molecular consequence: missense variant.
Genome position (GRCh38, 1-based): chr20:45,025,072, C>T. VCF-style: chr20-45025072-C-T. GRCh37 (hg19) VCF-style: chr20-43653713-C-T.
Other names: p.Pro416Leu; c.1247C>T, p.Pro416Leu (NM_001352385.2); short protein forms P416L.
Identifiers: ClinVar variation 540526 (VCV000540526.40), dbSNP rs33963346, ClinGen allele CA9874019.
Genomic context (GRCh38, chr20:45,025,072, plus strand): 5'-TTGAATATTTTGAACAAAAAGAAAAGGAAAACCAGATCAACAGCTTTGGCAAGAGTGTAC[C>T]TGGTCCACTGAAAAATTCTTCAGATTGGAAAATACCACAGGATGGAGACTACGAGTTTGT-3'
Protein context (NP_006273.1, residues 406-426): NQINSFGKSV[Pro416Leu]GPLKNSSDWK